The following is an entry in ClinVar:

ClinVar aggregate classification (germline): Uncertain significance. Review status: criteria provided, multiple submitters, no conflicts (2 of 4 stars). 2 submissions from 2 submitters: Uncertain significance (2). Last evaluated 2025-04-28.

Conditions:
Inborn genetic diseases. Identifiers: MedGen C0950123, MeSH D030342.

Allele frequency attached by ClinVar (database versions not stated): gnomAD exomes below 0.00001; TOPMed below 0.00001; ESP Exome Variant Server 0.00008.
gnomAD v4.1: 5 of 1,612,944 alleles (0.00031%); highest among the groups gnomAD compares: African/African-American, 0.0027%; no homozygotes.

Submissions (2):

Ambry Genetics
Classification: Uncertain significance for Inborn genetic diseases. Last evaluated: 2025-04-28. Review status: criteria provided, single submitter. Criteria: Ambry Variant Classification Scheme 2023. Collection method: clinical testing. Allele origin: germline.

Labcorp Genetics (formerly Invitae), Labcorp
Classification: Uncertain significance. Last evaluated: 2021-08-27. Review status: criteria provided, single submitter. Criteria: Invitae Variant Classification Sherloc (09022015). Collection method: clinical testing. Allele origin: germline.
Comment: This sequence change replaces arginine with histidine at codon 319 of the SLC12A6 protein (p.Arg319His). The arginine residue is highly conserved and there is a small physicochemical difference between arginine and histidine. This variant is not present in population databases (ExAC no frequency). This variant has not been reported in the literature in individuals affected with SLC12A6-related conditions. Advanced modeling of protein sequence and biophysical properties (such as structural, functional, and spatial information, amino acid conservation, physicochemical variation, residue mobility, and thermodynamic stability) performed at Invitae indicates that this missense variant is expected to disrupt SLC12A6 protein function. In summary, the available evidence is currently insufficient to determine the role of this variant in disease. Therefore, it has been classified as a Variant of Uncertain Significance.

NM_001365088.1(SLC12A6):c.956G>A (p.Arg319His)

Gene: SLC12A6 (solute carrier family 12 member 6; minus strand). Cytogenetic location: 15q14.
Variant type: single nucleotide variant.
Coding change: c.956G>A on transcript NM_001365088.1 (MANE Select); coding-DNA position 956, G replaced by A.
Protein change: p.Arg319His; replaces arginine 319 with histidine.
Molecular consequence: missense variant.
Genome position (GRCh38, 1-based): chr15:34,254,510, C>T on the plus strand (G>A on the coding strand, the complement: SLC12A6 is on the minus strand). VCF-style: chr15-34254510-C-T. GRCh37 (hg19) VCF-style: chr15-34546711-C-T.
Other names: c.779G>A, p.Arg260His (NM_001042494.2, NM_001042495.2); c.929G>A, p.Arg310His (NM_001042496.2); c.911G>A, p.Arg304His (NM_001042497.2); c.803G>A, p.Arg268His (NM_005135.2); c.956G>A, p.Arg319His (NM_133647.2); c.956G>A (NM_133647.1); short protein forms R260H, R319H, R268H, R310H, R304H.
Identifiers: ClinVar variation 1407151 (VCV001407151.6), dbSNP rs369334993, ClinGen allele CA268639435.
Genomic context (GRCh38, chr15:34,254,510, plus strand): 5'-TAGCGTACGCCGATAAATACCACTAATACCATAAGGACCAAGAAAGCTGTGCCGTAGACA[C>T]GCATGTTATTTAGCATGGCTGCTGATTCCTTGAGTGCGTCATCACTGTGAAAGATGGCAG-3'
Protein context (NP_001352017.1, residues 309-329): KESAAMLNNM[Arg319His]VYGTAFLVLM